The following is an entry in ClinVar:

NM_000755.5(CRAT):c.495del (p.Lys166fs)

Gene: CRAT (carnitine O-acetyltransferase; minus strand). Cytogenetic location: 9q34.11.
Variant type: Deletion.
Coding change: c.495del on transcript NM_000755.5 (MANE Select); coding-DNA position 495, one base deleted (G; older notation c.495delG).
Protein change: p.Lys166fs; shifts the reading frame from lysine 166.
Molecular consequence: frameshift variant.
Genome position (GRCh38, 1-based): chr9:129,102,535, C deleted on the plus strand (G on the coding strand, the reverse complement: CRAT is on the minus strand); the first of 7 consecutive C bases (chr9:129,102,535-129,102,541); deleting any one gives the same sequence. VCF-style (leftmost placement, unchanged base first): chr9-129102534-TC-T. GRCh37 (hg19) VCF-style: chr9-131864813-TC-T.
Other names: c.495delG (NM_000755.5); c.432del, p.Lys145fs (NM_001257363.3, NM_001346548.2, NM_004003.4); c.498del, p.Lys167fs (NM_001346546.2); c.495del, p.Lys166fs (NM_001346547.2); c.375del, p.Lys126fs (NM_001346549.2); short protein forms K126fs, K145fs, K166fs, K167fs.
Identifiers: ClinVar variation 4845764 (VCV004845764.1).

ClinVar aggregate classification (germline): Likely pathogenic (1 of 4 stars; one submission).

Conditions:
Neurodegeneration with brain iron accumulation 8. Identifiers: MedGen C4693587, MONDO:0054764, OMIM 617917.

Submission:

First Genomix Gene Laboratory, Genetic Diagnostics Department
Classification: Likely pathogenic for Neurodegeneration with brain iron accumulation 8. Last evaluated: 2025-03-20. Review status: criteria provided, single submitter. Criteria: ACMG Guidelines, 2015. Collection method: clinical testing. Allele origin: germline. Inheritance: Autosomal recessive inheritance. Affected: no. Observed: 1 variant allele.